The following is an entry in ClinVar:

NM_000179.3(MSH6):c.3439-13C>T

Gene: MSH6 (mutS homolog 6; plus strand). Cytogenetic location: 2p16.3.
Variant type: single nucleotide variant.
Coding change: c.3439-13C>T on transcript NM_000179.3 (MANE Select); 13 bases into the intron before coding-DNA position 3439, C replaced by T.
Molecular consequence: intron variant.
Genome position (GRCh38, 1-based): chr2:47,804,897, C>T. VCF-style: chr2-47804897-C-T. GRCh37 (hg19) VCF-style: chr2-48032036-C-T.
Other names: c.2533-13C>T (NM_001281493.2, NM_001281494.2); c.3049-13C>T (NM_001281492.2).
Identifiers: ClinVar variation 1533402 (VCV001533402.9), dbSNP rs2104503408, ClinGen allele CA2573134737.

ClinVar aggregate classification (germline): Likely benign. Review status: criteria provided, multiple submitters, no conflicts (2 of 4 stars). 2 submissions from 2 submitters: Likely benign (2). Last evaluated 2025-12-15.

Conditions:
Hereditary nonpolyposis colorectal neoplasms. Identifiers: MedGen C0009405, MeSH D003123.
Lynch syndrome 5 (LYNCH5). Also called: Colorectal cancer, hereditary nonpolyposis, type 5; Hereditary non-polyposis colorectal cancer, type 5. Identifiers: Orphanet 144, MedGen C1833477, MONDO:0013710, OMIM 614350. Disease mechanism: loss of function.

Submissions (2):

Labcorp Genetics (formerly Invitae), Labcorp
Classification: Likely benign for Hereditary nonpolyposis colorectal neoplasms. Last evaluated: 2025-12-15. Review status: criteria provided, single submitter. Criteria: Invitae Variant Classification Sherloc (09022015). Collection method: clinical testing. Allele origin: germline.

Myriad Genetics, Inc.
Classification: Likely benign for Lynch syndrome 5. Last evaluated: 2025-01-07. Review status: criteria provided, single submitter. Criteria: Myriad Autosomal Dominant, Autosomal Recessive and X-Linked Classification Criteria (2023). Collection method: clinical testing. Allele origin: unknown.
Comment: This variant is considered likely benign. This variant is intronic and is not expected to impact mRNA splicing.